The following is an entry in ClinVar:

ClinVar aggregate classification (germline): Likely pathogenic (1 of 4 stars; one submission).

Conditions:
GDAP1-related disorder. Also called: GDAP1-related condition; GDAP1-related disorders.

Submission:

3billion
Classification: Likely pathogenic for GDAP1-related disorder. Last evaluated: 2024-09-09. Review status: criteria provided, single submitter. Criteria: ACMG Guidelines, 2015. Collection method: clinical testing. Allele origin: germline. Affected: yes.
Comment: The variant is not observed in the gnomAD v4.0.0 dataset. Predicted Consequence/Location: Frameshift: predicted to result in a loss or disruption of normal protein function through nonsense-mediated decay (NMD) or protein truncation. Multiple pathogenic variants are reported downstream of the variant. Therefore, this variant is classified as Likely pathogenic according to the recommendation of ACMG/AMP guideline.

NM_018972.4(GDAP1):c.533del (p.Asn178fs)

Gene: GDAP1 (ganglioside induced differentiation associated protein 1; plus strand). Cytogenetic location: 8q21.11.
Variant type: Deletion.
Coding change: c.533del on transcript NM_018972.4 (MANE Select); coding-DNA position 533, one base deleted (A; older notation c.533delA).
Protein change: p.Asn178fs; shifts the reading frame from asparagine 178.
Molecular consequence: frameshift variant.
Genome position (GRCh38, 1-based): chr8:74,361,932, A deleted; the last of 4 consecutive A bases (chr8:74,361,929-74,361,932); deleting any one gives the same sequence. VCF-style (leftmost placement, unchanged base first): chr8-74361928-GA-G. GRCh37 (hg19) VCF-style: chr8-75274163-GA-G.
Other names: c.329del, p.Asn110fs (NM_001040875.4); c.206del, p.Asn69fs (NM_001362929.2, NM_001362932.2); c.359del, p.Asn120fs (NM_001362930.2); c.533del, p.Asn178fs (NM_001362931.2); short protein forms N110fs, N120fs, N178fs, N69fs.
Identifiers: ClinVar variation 4292196 (VCV004292196.1).
Genomic context (GRCh38, chr8:74,361,928, plus strand): 5'-ATGTTTTTATTATCAGGCCAAATTGGAAACACAGAGTCTGAGCTGAAGAAACTTGCTGAA[GA>G]AAACCCAGATTTACAAGAAGCATACATTGCAAAACAGAAACGACTTAAAGTAAGCCAATC-3'